The following is an entry in ClinVar:

ClinVar aggregate classification (germline): Uncertain significance (1 of 4 stars; one submission).

Allele frequency attached by ClinVar (database versions not stated): gnomAD 0.00001.
gnomAD v4.1: 1 of 1,606,536 alleles (0.000062%); highest among the groups gnomAD compares: Non-Finnish European, 0.000085%; no homozygotes.

Submission:

Ambry Genetics
Classification: Uncertain significance. Last evaluated: 2021-08-26. Review status: criteria provided, single submitter. Criteria: Ambry Variant Classification Scheme 2023. Collection method: clinical testing. Allele origin: germline.
Comment: The p.V562F variant (also known as c.1684G>T) is located in coding exon 15 of the A2ML1 gene. The valine at codon 562 is replaced by phenylalanine, an amino acid with highly similar properties. This change occurs in the first base pair of coding exon 15. This amino acid position is conserved. In addition, this alteration is predicted to be deleterious by in silico analysis. Since supporting evidence is limited at this time, the clinical significance of this alteration remains unclear.

NM_144670.6(A2ML1):c.1684G>T (p.Val562Phe)

Gene: A2ML1 (alpha-2-macroglobulin like 1; plus strand). Cytogenetic location: 12p13.31.
Variant type: single nucleotide variant.
Coding change: c.1684G>T on transcript NM_144670.6 (MANE Select); coding-DNA position 1684, G replaced by T.
Protein change: p.Val562Phe; replaces valine 562 with phenylalanine.
Molecular consequence: missense variant.
Genome position (GRCh38, 1-based): chr12:8,847,549, G>T. VCF-style: chr12-8847549-G-T. GRCh37 (hg19) VCF-style: chr12-9000145-G-T.
Other names: c.211G>T, p.Val71Phe (NM_001282424.3); short protein forms V71F, V562F.
Identifiers: ClinVar variation 1777975 (VCV001777975.2), dbSNP rs750546906, ClinGen allele CA383828282.
Genomic context (GRCh38, chr12:8,847,549, plus strand): 5'-GTTGTTTCCCTTCCTTTCCAGGCTGACCTGATCCCCAAGTTATACCTTTCCCTTCCCCAG[G>T]TTTCCCTTGGCTTCTCCCCCTCCCAGCAGCTTCCAGGAGCAGAAGTGGAGCTGCAGCTGC-3'
Protein context (NP_653271.3, residues 552-572): FSVEMCFDNQ[Val562Phe]SLGFSPSQQL